The following is an entry in ClinVar:

ClinVar aggregate classification (germline): Likely pathogenic (1 of 4 stars; one submission).

Conditions:
Dilated cardiomyopathy 1G (CMD1G). Identifiers: Orphanet 154, MedGen C1858763, MONDO:0011400, OMIM 604145.
Autosomal recessive limb-girdle muscular dystrophy type 2J (LGMDR10). Also called: Limb-girdle muscular dystrophy, type 2J; MUSCULAR DYSTROPHY, LIMB-GIRDLE, AUTOSOMAL RECESSIVE 10. Identifiers: Orphanet 140922, MedGen C1837342, MONDO:0012127, OMIM 608807.

Submission:

Labcorp Genetics (formerly Invitae), Labcorp
Classification: Likely pathogenic for Dilated cardiomyopathy 1G; Autosomal recessive limb-girdle muscular dystrophy type 2J. Last evaluated: 2020-01-21. Review status: criteria provided, single submitter. Criteria: Invitae Variant Classification Sherloc (09022015). Collection method: clinical testing. Allele origin: germline.
Comment: This variant is not present in population databases (ExAC no frequency). This variant has not been reported in the literature in individuals with TTN-related conditions. This variant is located in the A band of TTN (PMID: 25589632). Truncating variants in this region are significantly overrepresented in patients affected with dilated cardiomyopathy (PMID: 25589632). Truncating variants in this region have also been reported in individuals affected with autosomal recessive centronuclear myopathy (PMID: 23975875). Algorithms developed to predict the effect of sequence changes on RNA splicing suggest that this variant may create or strengthen a splice site, but this prediction has not been confirmed by published transcriptional studies. In summary, the currently available evidence indicates that the variant is pathogenic, but additional data are needed to prove that conclusively. Therefore, this variant has been classified as Likely Pathogenic. This sequence change results in a premature translational stop signal in the TTN gene (p.Val22361Glyfs*4). While this is not anticipated to result in nonsense mediated decay, it is expected to create a truncated TTN protein.

Literature cited by the submitters: PubMed 25589632; PubMed 23975875.

NM_001267550.2(TTN):c.67081dup (p.Val22361fs)

Genes: TTN-AS1 (TTN antisense RNA 1; plus strand), TTN (titin; minus strand). Cytogenetic location: 2q31.2.
Variant type: Duplication.
Coding change: c.67081dup on transcript NM_001267550.2 (MANE Select); coding-DNA position 67081, one base duplicated (G; older notation c.67081dupG).
Protein change: p.Val22361fs; shifts the reading frame from valine 22361.
Molecular consequence: frameshift variant.
Genome position (GRCh38, 1-based): chr2:178,580,206, C duplicated on the plus strand (G on the coding strand, the reverse complement: TTN is on the minus strand). VCF-style (leftmost placement, unchanged base first): chr2-178580205-A-AC. GRCh37 (hg19) VCF-style: chr2-179444932-A-AC.
Other names: c.62158dup, p.Val20720fs (NM_001256850.1); c.39886dup, p.Val13296fs (NM_003319.4); c.59377dup, p.Val19793fs (NM_133378.4); c.40261dup, p.Val13421fs (NM_133432.3); c.40462dup, p.Val13488fs (NM_133437.4); short protein forms V13421fs, V13296fs, V19793fs, V20720fs, V22361fs, V13488fs.
Identifiers: ClinVar variation 961223 (VCV000961223.10), dbSNP rs2047380262, ClinGen allele CA1139657442.
Genomic context (GRCh38, chr2:178,580,205, plus strand): 5'-TCAATAATGGGAGGCTCCCAGGTAACATAAGCAGAGTCTTTGGATATTTCCTTAACAGTC[A>AC]CATTGACAGGTGGCCCAGGAGTATCTGGATAAATAGTAGGTAAATAAGAAATGAATGTGT-3'